The following is an entry in ClinVar:

ClinVar aggregate classification (germline): Uncertain significance. Review status: criteria provided, multiple submitters, no conflicts (2 of 4 stars). 2 submissions from 2 submitters: Uncertain significance (2). Last evaluated 2025-06-07.

Conditions:
Brugada syndrome. Also called: Sudden unexpected nocturnal death syndrome; Sudden unexplained nocturnal death syndrome; Sudden Unexplained Death Syndrome; Sudden Unexplained Nocturnal Death Syndrome (SUNDS). Identifiers: Orphanet 130, MedGen C1142166, MONDO:0015263.
Cardiovascular phenotype. Identifiers: MedGen CN230736.

Allele frequency attached by ClinVar (database versions not stated): gnomAD exomes below 0.00001; TOPMed below 0.00001; gnomAD 0.00001.
gnomAD v4.1: 5 of 1,614,042 alleles (0.00031%); highest among the groups gnomAD compares: African/African-American, 0.0027%; no homozygotes.

Submissions (2):

Ambry Genetics
Classification: Uncertain significance for Cardiovascular phenotype. Last evaluated: 2025-06-07. Review status: criteria provided, single submitter. Criteria: Ambry Variant Classification Scheme 2023. Collection method: clinical testing. Allele origin: germline.
Comment: The p.W1848R variant (also known as c.5542T>C), located in coding exon 27 of the SCN10A gene, results from a T to C substitution at nucleotide position 5542. The tryptophan at codon 1848 is replaced by arginine, an amino acid with dissimilar properties. This amino acid position is conserved. In addition, this alteration is predicted to be tolerated by in silico analysis. Based on the available evidence, the clinical significance of this variant remains unclear.

Labcorp Genetics (formerly Invitae), Labcorp
Classification: Uncertain significance for Brugada syndrome. Last evaluated: 2018-10-04. Review status: criteria provided, single submitter. Criteria: Invitae Variant Classification Sherloc (09022015). Collection method: clinical testing. Allele origin: germline.
Comment: This sequence change replaces tryptophan with arginine at codon 1848 of the SCN10A protein (p.Trp1848Arg). The tryptophan residue is weakly conserved and there is a moderate physicochemical difference between tryptophan and arginine. This variant is not present in population databases (ExAC no frequency). This variant has not been reported in the literature in individuals with SCN10A-related disease. Algorithms developed to predict the effect of missense changes on protein structure and function (SIFT, PolyPhen-2, Align-GVGD) all suggest that this variant is likely to be tolerated, but these predictions have not been confirmed by published functional studies and their clinical significance is uncertain. In summary, the available evidence is currently insufficient to determine the role of this variant in disease. Therefore, it has been classified as a Variant of Uncertain Significance.

NM_006514.4(SCN10A):c.5542T>C (p.Trp1848Arg)

Gene: SCN10A (sodium voltage-gated channel alpha subunit 10; minus strand). Cytogenetic location: 3p22.2.
Variant type: single nucleotide variant.
Coding change: c.5542T>C on transcript NM_006514.4 (MANE Select); coding-DNA position 5542, T replaced by C.
Protein change: p.Trp1848Arg; replaces tryptophan 1848 with arginine.
Molecular consequence: missense variant.
Genome position (GRCh38, 1-based): chr3:38,697,678, A>G on the plus strand (T>C on the coding strand, the complement: SCN10A is on the minus strand). VCF-style: chr3-38697678-A-G. GRCh37 (hg19) VCF-style: chr3-38739169-A-G.
Other names: c.5539T>C, p.Trp1847Arg (NM_001293306.2); c.5248T>C, p.Trp1750Arg (NM_001293307.2); c.5542T>C (NM_006514.2); short protein forms W1750R, W1847R, W1848R.
Identifiers: ClinVar variation 660326 (VCV000660326.2), dbSNP rs1575914976, ClinGen allele CA352153032.